The following is an entry in ClinVar:

ClinVar aggregate classification (germline): Pathogenic (1 of 4 stars; one submission).

Conditions:
Hereditary diffuse gastric adenocarcinoma (HDGC). Also called: DIFFUSE GASTRIC AND LOBULAR BREAST CANCER SYNDROME. Identifiers: Orphanet 26106, MedGen C1708349, MONDO:0007648, OMIM 137215.

Submission:

Labcorp Genetics (formerly Invitae), Labcorp
Classification: Pathogenic for Hereditary diffuse gastric adenocarcinoma. Last evaluated: 2023-11-25. Review status: criteria provided, single submitter. Criteria: Invitae Variant Classification Sherloc (09022015). Collection method: clinical testing. Allele origin: unknown.
Comment: This variant is a gross deletion of the genomic region encompassing exon(s) 3-10 of the CDH1 gene. This deletion is out-of-frame, and is expected to create a premature termination codon and result in an absent or disrupted protein product. Loss-of-function variants in CDH1 are known to be pathogenic (PMID: 15235021, 20373070). A similar copy number variant has been observed in individual(s) with hereditary diffuse gastric cancer (PMID: 36509094). For these reasons, this variant has been classified as Pathogenic.

Literature cited by the submitters: PubMed 15235021; PubMed 20373070; PubMed 36509094.

NC_000016.9:g.(?_68835553)_(68851291_?)del

Gene: CDH1 (cadherin 1; plus strand). Cytogenetic location: 16q22.1.
Variant type: Deletion.
Identifiers: ClinVar variation 3243400 (VCV003243400.1).